The following is an entry in ClinVar:

NM_005422.4(TECTA):c.1963G>A (p.Asp655Asn)

Genes: TBCEL-TECTA (TBCEL-TECTA readthrough; plus strand), TECTA (tectorin alpha; plus strand). Cytogenetic location: 11q23.3.
Variant type: single nucleotide variant.
Coding change: c.1963G>A on transcript NM_005422.4 (MANE Select); coding-DNA position 1963, G replaced by A.
Protein change: p.Asp655Asn; replaces aspartic acid 655 with asparagine.
Molecular consequence: missense variant.
Genome position (GRCh38, 1-based): chr11:121,127,940, G>A. VCF-style: chr11-121127940-G-A. GRCh37 (hg19) VCF-style: chr11-120998649-G-A.
Other names: c.2920G>A, p.Asp974Asn (NM_001378761.1); short protein forms D655N, D974N.
Identifiers: ClinVar variation 3764340 (VCV003764340.1).

ClinVar aggregate classification (germline): Uncertain significance (1 of 4 stars; one submission).

gnomAD v4.1: 1 of 1,614,086 alleles (0.000062%); highest among the groups gnomAD compares: Non-Finnish European, 0.000085%; no homozygotes.

Submission:

GeneDx
Classification: Uncertain significance. Last evaluated: 2024-08-19. Review status: criteria provided, single submitter. Criteria: GeneDx Variant Classification Process June 2021. Collection method: clinical testing. Allele origin: germline. Affected: yes.
Comment: Not observed at significant frequency in large population cohorts (gnomAD); In silico analysis indicates that this missense variant does not alter protein structure/function; Has not been previously published as pathogenic or benign to our knowledge; This variant is associated with the following publications: (PMID: 9590290, 31554319, 21520338)